The following is an entry in ClinVar:

ClinVar aggregate classification (germline): Likely pathogenic (1 of 4 stars; one submission).

Conditions:
Spermatogenic failure 100. Identifiers: MedGen C6012726, MONDO:0978302, OMIM 621209.

Submission:

Juno Genomics, Hangzhou Juno Genomics, Inc
Classification: Likely pathogenic for Spermatogenic failure 100. Review status: criteria provided, single submitter. Criteria: ACMG Guidelines, 2015. Collection method: clinical testing. Allele origin: germline.
Comment: Absent from controls (or at extremely low frequency if recessive) in Genome Aggregation Database.;Null variant in a gene where loss of function (LOF) is a known mechanism of disease.

NM_001366028.2(DNAH12):c.1293_1294del (p.Glu431fs)

Gene: DNAH12 (dynein axonemal heavy chain 12; minus strand). Cytogenetic location: 3p14.3.
Variant type: Microsatellite.
Coding change: c.1293_1294del on transcript NM_001366028.2 (MANE Select); coding-DNA positions 1293 to 1294, 2 bases deleted (GA; older notation c.1293_1294delGA).
Protein change: p.Glu431fs; shifts the reading frame from glutamic acid 431.
Molecular consequence: frameshift variant.
Genome position (GRCh38, 1-based): chr3:57,501,362-57,501,363, TC deleted on the plus strand (GA on the coding strand, the reverse complement: DNAH12 is on the minus strand); deleting any 2 consecutive bases within chr3:57,501,362-57,501,366 gives the same sequence; the c. name uses the placement nearest the transcript's 3' end. VCF-style (leftmost placement, unchanged base first): chr3-57501361-GTC-G. GRCh37 (hg19) VCF-style: chr3-57487088-GTC-G.
Other names: c.1293_1294del, p.Glu431fs (NM_198564.4); short protein forms E431fs.
Identifiers: ClinVar variation 5019179 (VCV005019179.2).